The following is an entry in ClinVar:

NM_153689.6(C2orf69):c.105G>T (p.Pro35=)

Genes: C2orf69 (chromosome 2 open reading frame 69; plus strand), LOC129935377 (ATAC-STARR-seq lymphoblastoid active region 16950; plus strand). Cytogenetic location: 2q33.1.
Variant type: single nucleotide variant.
Coding change: c.105G>T on transcript NM_153689.6 (MANE Select); coding-DNA position 105, G replaced by T.
Protein change: p.Pro35=; no amino-acid change (proline 35 retained).
Molecular consequence: synonymous variant.
Genome position (GRCh38, 1-based): chr2:199,911,543, G>T. VCF-style: chr2-199911543-G-T. GRCh37 (hg19) VCF-style: chr2-200776266-G-T.
Identifiers: ClinVar variation 4988610 (VCV004988610.1).
Genomic context (GRCh38, chr2:199,911,543, plus strand): 5'-GCTGCCGCAGCTCGGAATCGGAAACGCCTCGTCCTGCTCTCAGGCCAGAACCATGAACCC[G>T]GGCGGCAGCGGCGGCGCGCGATGCTCCCTCTCGGCCGAGGTGCGCCGCCGTCAGTGCCTG-3'
Protein context (NP_710156.3, residues 25-45): SSCSQARTMN[Pro35=]GGSGGARCSL

ClinVar aggregate classification (germline): Likely benign (1 of 4 stars; one submission).

Conditions:
C2orf69-related disorder. Also called: C2orf69-related condition.

gnomAD v4.1: 9 of 1,549,608 alleles (0.00058%); highest among the groups gnomAD compares: African/African-American, 0.0082%; no homozygotes.

Submission:

PreventionGenetics, part of Exact Sciences
Classification: Likely benign for C2orf69-related condition. Last evaluated: 2025-10-22. Review status: criteria provided, single submitter. Criteria: ACMG Guidelines, 2015. Collection method: clinical testing. Allele origin: germline.
Comment: This variant is classified as likely benign based on ACMG/AMP sequence variant interpretation guidelines (Richards et al. 2015 PMID: 25741868, with internal and published modifications).